The following is an entry in ClinVar:

NM_000350.3(ABCA4):c.607_611del (p.Ile203fs)

Gene: ABCA4 (ATP binding cassette subfamily A member 4; minus strand). Cytogenetic location: 1p22.1.
Variant type: Deletion.
Coding change: c.607_611del on transcript NM_000350.3 (MANE Select); coding-DNA positions 607 to 611, 5 bases deleted (ATCGC; older notation c.607_611delATCGC).
Protein change: p.Ile203fs; shifts the reading frame from isoleucine 203.
Molecular consequence: frameshift variant.
Genome position (GRCh38, 1-based): chr1:94,098,951-94,098,955, GCGAT deleted on the plus strand (ATCGC on the coding strand, the reverse complement: ABCA4 is on the minus strand); deleting any 5 consecutive bases within chr1:94,098,951-94,098,956 gives the same sequence; the c. name uses the placement nearest the transcript's 3' end. VCF-style (leftmost placement, unchanged base first): chr1-94098950-GGCGAT-G. GRCh37 (hg19) VCF-style: chr1-94564506-GGCGAT-G.
Other names: c.607_611del, p.Ile203fs (NM_001425324.1); short protein forms I203fs.
Identifiers: ClinVar variation 3384111 (VCV003384111.1).

ClinVar aggregate classification (germline): Likely pathogenic (1 of 4 stars; one submission).

Conditions:
Retinal dystrophy. Also called: Inherited retinal dystrophy. Identifiers: Orphanet 71862, MedGen C0854723, MeSH D058499, MONDO:0019118, HP:0000556.

Submission:

Dubai Health Genomic Medicine Center, Dubai Health
Classification: Likely pathogenic for Retinal dystrophy. Last evaluated: 2024-10-04. Review status: criteria provided, single submitter. Criteria: ACMG Guidelines, 2015. Collection method: research. Allele origin: germline. Affected: yes.
Comment: PVS1,PM2